The following is an entry in ClinVar:

ClinVar aggregate classification (germline): Likely pathogenic (1 of 4 stars; one submission).

Conditions:
Immunodeficiency 28 (IMD28). Also called: IFNGR2 DEFICIENCY. Identifiers: Orphanet 319547, Orphanet 319574, MedGen C4013947, MONDO:0013953, OMIM 614889.

Submission:

Labcorp Genetics (formerly Invitae), Labcorp
Classification: Likely pathogenic for Immunodeficiency 28. Last evaluated: 2022-02-10. Review status: criteria provided, single submitter. Criteria: Invitae Variant Classification Sherloc (09022015). Collection method: clinical testing. Allele origin: germline.
Comment: Experimental studies have shown that disruption of the initiator codon affects IFNGR2 function (PMID: 31222290). In summary, the currently available evidence indicates that the variant is pathogenic, but additional data are needed to prove that conclusively. Therefore, this variant has been classified as Likely Pathogenic. Algorithms developed to predict the effect of variants on protein structure and function are not available or were not evaluated for this variant. ClinVar contains an entry for this variant (Variation ID: 1066015). Disruption of the initiator codon has been observed in individual(s) with Mendelian susceptibility to mycobacterial disease (MSMD) (PMID: 31222290). It has also been observed to segregate with disease in related individuals. This variant is not present in population databases (gnomAD no frequency). This sequence change affects the initiator methionine of the IFNGR2 mRNA. The next in-frame methionine is located at codon 80.

Literature cited by the submitters: PubMed 31222290.

NM_005534.4(IFNGR2):c.1A>C (p.Met1Leu)

Genes: IFNGR2 (interferon gamma receptor 2; plus strand), LOC119266102 (IFNGR2 promoter region; plus strand). Cytogenetic location: 21q22.11.
Variant type: single nucleotide variant.
Coding change: c.1A>C on transcript NM_005534.4 (MANE Select); coding-DNA position 1, A replaced by C.
Protein change: p.Met1Leu; changes the start codon (methionine 1).
Molecular consequence: missense variant, initiator codon variant.
Genome position (GRCh38, 1-based): chr21:33,403,544, A>C. VCF-style: chr21-33403544-A-C. GRCh37 (hg19) VCF-style: chr21-34775850-A-C.
Other names: c.1A>C, p.Met1Leu (NM_001329128.2); short protein forms M1L.
Identifiers: ClinVar variation 1066015 (VCV001066015.10), dbSNP rs1316638883, ClinGen allele CA410113850.
Genomic context (GRCh38, chr21:33,403,544, plus strand): 5'-TCCGCGGACCCCGAGCGGGGCCCCGGCCGCGACCTGAGCCGCCGCCGAGCGCCCGGGGCC[A>C]TGCGACCGACGCTGCTGTGGTCGCTGCTGCTGCTGCTCGGAGTCTTCGCCGCCGCCGCCG-3'
Protein context (NP_005525.2, residues 1-11): [Met1Leu]RPTLLWSLLL